The following is an entry in ClinVar:

ClinVar aggregate classification (germline): Uncertain significance. Review status: criteria provided, multiple submitters, no conflicts (2 of 4 stars). 2 submissions from 2 submitters: Uncertain significance (2). Last evaluated 2026-01-26.

Conditions:
Inborn genetic diseases. Identifiers: MedGen C0950123, MeSH D030342.

Allele frequency attached by ClinVar (database versions not stated): TOPMed below 0.00001; gnomAD 0.00001.
gnomAD v4.1: 2 of 1,612,976 alleles (0.00012%); highest among the groups gnomAD compares: Non-Finnish European, 0.00017%; no homozygotes.

Submissions (2):

Ambry Genetics
Classification: Uncertain significance for Inborn genetic diseases. Last evaluated: 2026-01-26. Review status: criteria provided, single submitter. Criteria: Ambry Variant Classification Scheme 2023. Collection method: clinical testing. Allele origin: germline.

Labcorp Genetics (formerly Invitae), Labcorp
Classification: Uncertain significance. Last evaluated: 2025-04-23. Review status: criteria provided, single submitter. Criteria: Invitae Variant Classification Sherloc (09022015). Collection method: clinical testing. Allele origin: germline.
Comment: This sequence change replaces methionine, which is neutral and non-polar, with threonine, which is neutral and polar, at codon 452 of the ROR2 protein (p.Met452Thr). This variant is not present in population databases (gnomAD no frequency). This variant has not been reported in the literature in individuals affected with ROR2-related conditions. ClinVar contains an entry for this variant (Variation ID: 2075615). Invitae Evidence Modeling of protein sequence and biophysical properties (such as structural, functional, and spatial information, amino acid conservation, physicochemical variation, residue mobility, and thermodynamic stability) indicates that this missense variant is not expected to disrupt ROR2 protein function with a negative predictive value of 80%. In summary, the available evidence is currently insufficient to determine the role of this variant in disease. Therefore, it has been classified as a Variant of Uncertain Significance.

NM_004560.4(ROR2):c.1355T>C (p.Met452Thr)

Gene: ROR2 (receptor tyrosine kinase like orphan receptor 2; minus strand). Cytogenetic location: 9q22.31.
Variant type: single nucleotide variant.
Coding change: c.1355T>C on transcript NM_004560.4 (MANE Select); coding-DNA position 1355, T replaced by C.
Protein change: p.Met452Thr; replaces methionine 452 with threonine.
Molecular consequence: missense variant. On other transcripts: 3 prime UTR variant (1).
Genome position (GRCh38, 1-based): chr9:91,726,572, A>G on the plus strand (T>C on the coding strand, the complement: ROR2 is on the minus strand). VCF-style: chr9-91726572-A-G. GRCh37 (hg19) VCF-style: chr9-94488854-A-G.
Other names: c.1355T>C (NM_004560.3); c.*22T>C (NM_001318204.2); short protein forms M452T.
Identifiers: ClinVar variation 2075615 (VCV002075615.5), dbSNP rs1313126521, ClinGen allele CA373799314.